The following is an entry in ClinVar:

NM_000321.3(RB1):c.1568T>A (p.Leu523Ter)

Gene: RB1 (RB transcriptional corepressor 1; plus strand). Cytogenetic location: 13q14.2.
Variant type: single nucleotide variant.
Coding change: c.1568T>A on transcript NM_000321.3 (MANE Select); coding-DNA position 1568, T replaced by A.
Protein change: p.Leu523Ter; replaces leucine 523 with a stop codon.
Molecular consequence: nonsense.
Genome position (GRCh38, 1-based): chr13:48,381,316, T>A. VCF-style: chr13-48381316-T-A. GRCh37 (hg19) VCF-style: chr13-48955452-T-A.
Other names: short protein forms L523*.
Identifiers: ClinVar variation 995905 (VCV000995905.2), dbSNP rs2138145156, ClinGen allele CA388163549.

ClinVar aggregate classification (germline): Pathogenic. Review status: criteria provided, multiple submitters, no conflicts (2 of 4 stars). 2 submissions from 2 submitters: Pathogenic (2). Last evaluated 2024-05-20.

Conditions:
Retinoblastoma (RB1). Also called: RETINOBLASTOMA, SOMATIC. Identifiers: Orphanet 790, MedGen C0035335, MeSH D012175, MONDO:0008380, OMIM 180200, HP:0009919. Disease mechanism: loss of function. Inheritance: Both sporadic and heritable forms are tested..

Submissions (2):

Genetic Diagnostic Laboratory, University of Pennsylvania School of Medicine
Classification: Pathogenic for Retinoblastoma. Last evaluated: 2024-05-20. Review status: criteria provided, single submitter. Criteria: ACMG Guidelines, 2015. Collection method: clinical testing. Allele origin: germline. Affected: yes. Observed: 1 variant allele.
Comment: Case and Pedigree Information: BILATERAL CASES:1, UNILATERAL CASES:0, TOTAL CASES:1, PEDIGREES:1. ACMG Codes Applied:PVS1, PP5

Department of Pediatrics, Memorial Sloan Kettering Cancer Center
Classification: Pathogenic for Retinoblastoma. Last evaluated: 2020-12-15. Review status: criteria provided, single submitter. Criteria: ACMG Guidelines, 2015. Collection method: research. Allele origin: germline. Affected: yes.

Literature cited by the submitters: PubMed 28873162 (cited by Department of Pediatrics, Memorial Sloan Kettering Cancer Center).